The following is an entry in ClinVar:

NM_014634.4(PPM1F):c.446G>A (p.Arg149Gln)

Gene: PPM1F (protein phosphatase, Mg2+/Mn2+ dependent 1F; minus strand). Cytogenetic location: 22q11.22.
Variant type: single nucleotide variant.
Coding change: c.446G>A on transcript NM_014634.4 (MANE Select); coding-DNA position 446, G replaced by A.
Protein change: p.Arg149Gln; replaces arginine 149 with glutamine.
Molecular consequence: missense variant. On other transcripts: 5 prime UTR variant (1).
Genome position (GRCh38, 1-based): chr22:21,934,136, C>T on the plus strand (G>A on the coding strand, the complement: PPM1F is on the minus strand). VCF-style: chr22-21934136-C-T. GRCh37 (hg19) VCF-style: chr22-22288508-C-T.
Other names: c.-59G>A (NM_001410836.1); short protein forms R149Q.
Identifiers: ClinVar variation 4570934 (VCV004570934.2).

ClinVar aggregate classification (germline): Uncertain significance. Review status: criteria provided, multiple submitters, no conflicts (2 of 4 stars). 2 submissions from 2 submitters: Uncertain significance (2). Last evaluated 2026-01-13.

Submissions (2):

Labcorp Genetics (formerly Invitae), Labcorp
Classification: Uncertain significance. Last evaluated: 2026-01-13. Review status: criteria provided, single submitter. Criteria: Invitae Variant Classification Sherloc (09022015). Collection method: clinical testing. Allele origin: germline.
Comment: This sequence change replaces arginine, which is basic and polar, with glutamine, which is neutral and polar, at codon 149 of the PPM1F protein (p.Arg149Gln). This variant is present in population databases (rs759016459, gnomAD 0.05%). This variant has not been reported in the literature in individuals affected with PPM1F-related conditions. An algorithm developed to predict the effect of missense changes on protein structure and function outputs the following: PolyPhen-2: "Benign". The glutamine amino acid residue is found in multiple mammalian species, which suggests that this missense change does not adversely affect protein function. In summary, the available evidence is currently insufficient to determine the role of this variant in disease. Therefore, it has been classified as a Variant of Uncertain Significance.

Ambry Genetics
Classification: Uncertain significance. Last evaluated: 2025-10-18. Review status: criteria provided, single submitter. Criteria: Ambry Variant Classification Scheme 2023. Collection method: clinical testing. Allele origin: germline.